The following is an entry in ClinVar:

NM_000090.4(COL3A1):c.394C>G (p.Pro132Ala)

Gene: COL3A1 (collagen type III alpha 1 chain; plus strand). Cytogenetic location: 2q32.2.
Variant type: single nucleotide variant.
Coding change: c.394C>G on transcript NM_000090.4 (MANE Select); coding-DNA position 394, C replaced by G.
Protein change: p.Pro132Ala; replaces proline 132 with alanine.
Molecular consequence: missense variant.
Genome position (GRCh38, 1-based): chr2:188,985,725, C>G. VCF-style: chr2-188985725-C-G. GRCh37 (hg19) VCF-style: chr2-189850451-C-G.
Other names: short protein forms P132A.
Identifiers: ClinVar variation 5040308 (VCV005040308.1).
Genomic context (GRCh38, chr2:188,985,725, plus strand): 5'-GGCCCTCCTGGTATTCCTGGGAGAAATGGTGACCCTGGTATTCCAGGACAACCAGGGTCC[C>G]CTGGTTCTCCTGGCCCCCCTGGAATCTGTGAATCATGCCCTACTGGTCCTCAGGTATAAC-3'
Protein context (NP_000081.2, residues 122-142): DPGIPGQPGS[Pro132Ala]GSPGPPGICE

ClinVar aggregate classification (germline): Uncertain significance (1 of 4 stars; one submission).

Submission:

CeGaT Center for Human Genetics Tuebingen
Classification: Uncertain significance. Last evaluated: 2026-07-01. Review status: criteria provided, single submitter. Criteria: CeGaT Center For Human Genetics Tuebingen Variant Classification Criteria Version 2. Collection method: clinical testing. Allele origin: germline. Affected: yes. Observed: 1 variant allele.
Comment: COL3A1: PM2